The following is an entry in ClinVar:

NM_004333.6(BRAF):c.1496A>G (p.Lys499Arg)

Gene: BRAF (B-Raf proto-oncogene, serine/threonine kinase; minus strand). Cytogenetic location: 7q34.
Variant type: single nucleotide variant.
Coding change: c.1496A>G on transcript NM_004333.6 (MANE Select); coding-DNA position 1496, A replaced by G.
Protein change: p.Lys499Arg; replaces lysine 499 with arginine.
Molecular consequence: missense variant.
Genome position (GRCh38, 1-based): chr7:140,778,012, T>C on the plus strand (A>G on the coding strand, the complement: BRAF is on the minus strand). VCF-style: chr7-140778012-T-C. GRCh37 (hg19) VCF-style: chr7-140477812-T-C.
Other names: c.1496A>G, p.Lys499Arg (NM_001354609.2, NM_001378468.1, NM_001378474.1); c.1616A>G, p.Lys539Arg (NM_001374244.1, NM_001374258.1); c.1505A>G, p.Lys502Arg (NM_001378467.1); c.1430A>G, p.Lys477Arg (NM_001378469.1); c.1394A>G, p.Lys465Arg (NM_001378470.1); c.1385A>G, p.Lys462Arg (NM_001378471.1); c.1340A>G, p.Lys447Arg (NM_001378472.1, NM_001378473.1); c.1232A>G, p.Lys411Arg (NM_001378475.1); short protein forms K411R, K447R, K462R, K465R, K477R, K499R, K502R, K539R.
Identifiers: ClinVar variation 3618924 (VCV003618924.2).
Genomic context (GRCh38, chr7:140,778,012, plus strand): 5'-ACTTCTTTCTCTGGAAAAGAGTAATTCACACAAGCTCACCTGAGTACTCCTACTTCATTT[T>C]TGAAGGCTTGTAACTGCTGAGGTGTAGGTGCTGTCACATTCAACATTTTCACTGCCACAT-3'
Protein context (NP_004324.2, residues 489-509): APTPQQLQAF[Lys499Arg]NEVGVLRKTR

ClinVar aggregate classification (germline): Uncertain significance (1 of 4 stars; one submission).

Conditions:
RASopathy. Also called: Noonan spectrum disorder; rasopathies. Identifiers: Orphanet 536391, MedGen C5555857, MONDO:0021060.

gnomAD v4.1: 1 of 1,613,462 alleles (0.000062%); highest among the groups gnomAD compares: Non-Finnish European, 0.000085%; no homozygotes.

Submission:

Labcorp Genetics (formerly Invitae), Labcorp
Classification: Uncertain significance for RASopathy. Last evaluated: 2024-02-16. Review status: criteria provided, single submitter. Criteria: Invitae Variant Classification Sherloc (09022015). Collection method: clinical testing. Allele origin: germline.
Comment: This sequence change replaces lysine, which is basic and polar, with arginine, which is basic and polar, at codon 499 of the BRAF protein (p.Lys499Arg). This variant is not present in population databases (gnomAD no frequency). This variant has not been reported in the literature in individuals affected with BRAF-related conditions. Advanced modeling of protein sequence and biophysical properties (such as structural, functional, and spatial information, amino acid conservation, physicochemical variation, residue mobility, and thermodynamic stability) performed at Invitae indicates that this missense variant is not expected to disrupt BRAF protein function with a negative predictive value of 80%. This variant disrupts the p.Lys499 amino acid residue in BRAF. Other variant(s) that disrupt this residue have been determined to be pathogenic (PMID: 16474404, 18042262). This suggests that this residue is clinically significant, and that variants that disrupt this residue are likely to be disease-causing. In summary, the available evidence is currently insufficient to determine the role of this variant in disease. Therefore, it has been classified as a Variant of Uncertain Significance.

Literature cited by the submitters: PubMed 16474404; PubMed 18042262.